The following is an entry in ClinVar:

NM_006361.6(HOXB13):c.430C>T (p.Leu144=)

Gene: HOXB13 (homeobox B13; minus strand). Cytogenetic location: 17q21.32.
Variant type: single nucleotide variant.
Coding change: c.430C>T on transcript NM_006361.6 (MANE Select); coding-DNA position 430, C replaced by T.
Protein change: p.Leu144=; no amino-acid change (leucine 144 retained).
Molecular consequence: synonymous variant.
Genome position (GRCh38, 1-based): chr17:48,728,164, G>A on the plus strand (C>T on the coding strand, the complement: HOXB13 is on the minus strand). VCF-style: chr17-48728164-G-A. GRCh37 (hg19) VCF-style: chr17-46805526-G-A.
Identifiers: ClinVar variation 824781 (VCV000824781.8), dbSNP rs1471084758, ClinGen allele CA500661805.

ClinVar aggregate classification (germline): Benign/Likely benign. Review status: criteria provided, multiple submitters, no conflicts (2 of 4 stars). 3 submissions from 3 submitters: Benign (1); Likely benign (2). Last evaluated 2025-09-01.

Conditions:
Prostate cancer, hereditary, 9 (HPC9). Identifiers: Orphanet 1331, MedGen C1970250, MONDO:0012597, OMIM 610997.
Hereditary cancer-predisposing syndrome. Also called: Neoplastic Syndromes, Hereditary; Tumor predisposition; Hereditary neoplastic syndrome; Hereditary Cancer Syndrome. Identifiers: Orphanet 140162, MedGen C0027672, MeSH D009386, MONDO:0015356.

Allele frequency attached by ClinVar (database versions not stated): gnomAD exomes below 0.00001.
gnomAD v4.1: 2 of 1,614,228 alleles (0.00012%); highest among the groups gnomAD compares: Non-Finnish European, 0.000085%; no homozygotes.

Submissions (3):

Labcorp Genetics (formerly Invitae), Labcorp
Classification: Likely benign. Last evaluated: 2025-09-01. Review status: criteria provided, single submitter. Criteria: Invitae Variant Classification Sherloc (09022015). Collection method: clinical testing. Allele origin: germline.

Myriad Genetics, Inc.
Classification: Benign for Prostate cancer, hereditary, 9. Last evaluated: 2024-10-30. Review status: criteria provided, single submitter. Criteria: Myriad Autosomal Dominant, Autosomal Recessive and X-Linked Classification Criteria (2023). Collection method: clinical testing. Allele origin: unknown.
Comment: This variant is considered benign. This variant is a silent/synonymous amino acid change and it is not expected to impact splicing.

Ambry Genetics
Classification: Likely benign for Hereditary cancer-predisposing syndrome. Last evaluated: 2019-04-22. Review status: criteria provided, single submitter. Criteria: Ambry Variant Classification Scheme 2023. Collection method: clinical testing. Allele origin: germline.